The following is an entry in ClinVar:

NM_170707.4(LMNA):c.1583C>A (p.Thr528Lys)

Gene: LMNA (lamin A/C; plus strand). Cytogenetic location: 1q22.
Variant type: single nucleotide variant.
Coding change: c.1583C>A on transcript NM_170707.4 (MANE Select); coding-DNA position 1583, C replaced by A.
Protein change: p.Thr528Lys; replaces threonine 528 with lysine.
Molecular consequence: missense variant.
Genome position (GRCh38, 1-based): chr1:156,137,207, C>A. VCF-style: chr1-156137207-C-A. GRCh37 (hg19) VCF-style: chr1-156106998-C-A.
Other names: c.1247C>A, p.Thr416Lys (NM_001257374.3); c.1340C>A, p.Thr447Lys (NM_001282624.2); c.1583C>A, p.Thr528Lys (NM_001282625.2, NM_001282626.2, NM_005572.4 and 1 more transcripts); short protein forms T528K, T416K, T447K.
Identifiers: ClinVar variation 66849 (VCV000066849.24), dbSNP rs57629361, ClinGen allele CA017504.

ClinVar aggregate classification (germline): Pathogenic/Likely pathogenic. Review status: criteria provided, multiple submitters, no conflicts (2 of 4 stars). 8 submissions from 8 submitters: Pathogenic (5); Likely pathogenic (2). 1 of the submissions does not count toward it. Last evaluated 2025-06-10.

Conditions:
Charcot-Marie-Tooth disease type 2. Also called: Charcot-Marie-Tooth type 2. Identifiers: Orphanet 64746, MedGen C0270914, MONDO:0018993.
Hutchinson-Gilford syndrome (HGPS). Also called: Hutchinson-Gilford Progeria Syndrome. Identifiers: Orphanet 740, MedGen C0033300, MONDO:0008310, OMIM 176670.
Emery-Dreifuss muscular dystrophy 2, autosomal dominant (EDMD2). Also called: Limb-girdle muscular dystrophy, type 1B; Muscular dystrophy, proximal, type 1B; MUSCULAR DYSTROPHY WITH EARLY CONTRACTURES AND CARDIOMYOPATHY, AUTOSOMAL DOMINANT; SCAPULOILIOPERONEAL ATROPHY WITH CARDIOPATHY; Benign scapuloperoneal muscular dystrophy with cardiomyopathy; LMNA-Related Emery-Dreifuss Muscular Dystrophy, Autosomal. Identifiers: Orphanet 261, Orphanet 264, MedGen C0410190, MONDO:0021569, OMIM 181350.

Submissions (8):

3billion
Classification: Pathogenic for Emery-Dreifuss muscular dystrophy 2, autosomal dominant. Last evaluated: 2025-06-10. Review status: criteria provided, single submitter. Criteria: ACMG Guidelines, 2015. Collection method: clinical testing. Allele origin: germline. Affected: yes.
Comment: The variant is not observed in the gnomAD v4.1.0 dataset. Predicted Consequence/Location: Missense variant In silico tool predictions suggest damaging effect of the variant on gene or gene product [REVEL: 0.92 (>=0.6, sensitivity 0.68 and specificity 0.92); 3Cnet: 0.99 (> 0.75, sensitivity 0.96 and precision 0.92)]. The same nucleotide change resulting in the same amino acid change has been previously reported as pathogenic/likely pathogenic with strong evidence (ClinVar ID: VCV000066849 /PMID: 10739764). The variant has been observed in at least two similarly affected unrelated individuals (PMID: 10739764, 31498906). The variant has been previously reported as assumed (i.e. paternity and maternity not confirmed) de novo in at least one similarly affected unrelated individual (PMID: 31498906). Different missense changes at the same codon (p.Thr528Arg, p.Thr528Met, p.Thr528Pro) have been reported as pathogenic/likely pathogenic with strong evidence (ClinVar ID: VCV000066850, VCV000066851, VCV000500663 /PMID: 14684700, 16825282). Therefore, this variant is classified as Pathogenic according to the recommendation of ACMG/AMP guideline.

Laboratory of Genetics, Children's Clinical University Hospital Latvia
Classification: Pathogenic. Last evaluated: 2025-02-16. Review status: criteria provided, single submitter. Criteria: ACMG Guidelines, 2015. Collection method: clinical testing. Allele origin: germline. Affected: yes.

Labcorp Genetics (formerly Invitae), Labcorp
Classification: Pathogenic for Charcot-Marie-Tooth disease type 2. Last evaluated: 2025-02-11. Review status: criteria provided, single submitter. Criteria: Invitae Variant Classification Sherloc (09022015). Collection method: clinical testing. Allele origin: germline.
Comment: This sequence change replaces threonine, which is neutral and polar, with lysine, which is basic and polar, at codon 528 of the LMNA protein (p.Thr528Lys). This variant is not present in population databases (gnomAD no frequency). This missense change has been observed in individual(s) with clinical features of autosomal dominant LMNA-related conditions (PMID: 10739764, 20980393, 24642510, 31498906). In at least one individual the variant was observed to be de novo. ClinVar contains an entry for this variant (Variation ID: 66849). Invitae Evidence Modeling of protein sequence and biophysical properties (such as structural, functional, and spatial information, amino acid conservation, physicochemical variation, residue mobility, and thermodynamic stability) indicates that this missense variant is expected to disrupt LMNA protein function with a positive predictive value of 95%. Experimental studies have shown that this missense change affects LMNA function (PMID: 21173262, 23427149). This variant disrupts the p.Thr528 amino acid residue in LMNA. Other variant(s) that disrupt this residue have been determined to be pathogenic (PMID: 14684700, 20376791, 26165385). This suggests that this residue is clinically significant, and that variants that disrupt this residue are likely to be disease-causing. For these reasons, this variant has been classified as Pathogenic.

Revvity Omics, Revvity
Classification: Pathogenic. Last evaluated: 2023-01-04. Review status: criteria provided, single submitter. Criteria: ACMG Guidelines, 2015. Collection method: clinical testing. Allele origin: germline.

Mendelics
Classification: Likely pathogenic for Hutchinson-Gilford syndrome. Last evaluated: 2019-05-28. Review status: criteria provided, single submitter. Criteria: Mendelics Assertion Criteria 2017. Collection method: clinical testing. Allele origin: unknown.

Eurofins Ntd Llc (ga)
Classification: Pathogenic. Last evaluated: 2017-01-03. Review status: criteria provided, single submitter. Criteria: EGL Classification Definitions. Collection method: clinical testing. Allele origin: germline. Observed: 3 variant alleles, 3 heterozygotes.

Athena Diagnostics
Classification: Likely pathogenic for Benign scapuloperoneal muscular dystrophy with cardiomyopathy. Last evaluated: 2015-06-26. Review status: criteria provided, single submitter. Criteria: Athena Diagnostics Criteria. Collection method: clinical testing. Allele origin: germline. Inheritance: Autosomal unknown.

Epithelial Biology;  Institute of Medical Biology, Singapore
No classification provided. Review status: no classification provided. Collection method: not provided. Allele origin: not provided. Not counted in ClinVar's aggregate classification.

Literature cited by the submitters: PubMed 31498906 (cited by 3billion and Labcorp Genetics (formerly Invitae), Labcorp); PubMed 10739764 (cited by 3 submitters); PubMed 14684700 (cited by 3billion and Labcorp Genetics (formerly Invitae), Labcorp); PubMed 20980393 (cited by Labcorp Genetics (formerly Invitae), Labcorp and Athena Diagnostics); PubMed 24642510 (cited by Labcorp Genetics (formerly Invitae), Labcorp and Athena Diagnostics); PubMed 21173262 (cited by Labcorp Genetics (formerly Invitae), Labcorp and Athena Diagnostics); PubMed 23427149 (cited by Labcorp Genetics (formerly Invitae), Labcorp and Athena Diagnostics); PubMed 20376791 (cited by Labcorp Genetics (formerly Invitae), Labcorp); PubMed 26165385 (cited by Labcorp Genetics (formerly Invitae), Labcorp); PubMed 10939567 (cited by Athena Diagnostics); PubMed 11792809 (cited by Athena Diagnostics); PubMed 11901143 (cited by Athena Diagnostics); PubMed 14659775 (cited by Athena Diagnostics); PubMed 17377071 (cited by Athena Diagnostics); PubMed 1849984 (cited by Athena Diagnostics).